The following is an entry in ClinVar:

ClinVar aggregate classification (germline): Pathogenic/Likely pathogenic. Review status: criteria provided, multiple submitters, no conflicts (2 of 4 stars). 4 submissions from 4 submitters: Pathogenic (1); Likely pathogenic (2). 1 of the submissions does not count toward it. Last evaluated 2023-04-11.

Conditions:
Nephrotic syndrome, type 2 (NPHS2). Also called: NEPHROTIC SYNDROME, STEROID-RESISTANT, AUTOSOMAL RECESSIVE. Identifiers: Orphanet 656, MedGen C1868672, MONDO:0010974, OMIM 600995.
Steroid-resistant nephrotic syndrome. Identifiers: MedGen C0403397, MONDO:0044765, HP:0012588.
Idiopathic nephrotic syndrome. Also called: Nephrotic syndrome, idiopathic, steroid-resistant. Identifiers: Orphanet 357502, MedGen C3496337, MONDO:0018170.

gnomAD v4.1: 1 of 1,613,922 alleles (0.000062%); highest among the groups gnomAD compares: Non-Finnish European, 0.000085%; no homozygotes.

Submissions (4):

Genome-Nilou Lab
Classification: Likely pathogenic for Nephrotic syndrome, type 2. Last evaluated: 2023-04-11. Review status: criteria provided, single submitter. Criteria: ACMG Guidelines, 2015. Collection method: clinical testing. Allele origin: germline. Affected: no.

Women's Health and Genetics/Laboratory Corporation of America, LabCorp
Classification: Pathogenic for Idiopathic nephrotic syndrome. Last evaluated: 2023-01-06. Review status: criteria provided, single submitter. Criteria: LabCorp Variant Classification Summary - May 2015. Collection method: clinical testing. Allele origin: germline.
Comment: Variant summary: NPHS2 c.714G>C (p.Arg238Ser) results in a non-conservative amino acid change located in the Band 7 domain (IPR001107) of the encoded protein sequence. Five of five in-silico tools predict a damaging effect of the variant on protein function. The variant was absent in 250728 control chromosomes. c.714G>C has not been reported in the literature but a different variant, c.714G>T also encoding p.Arg238Ser has been reported in the HGMD database. p.Arg238Ser has been reported in the literature as a biallelic homozygous and compound heterozygous genotype in multiple individuals affected with Steroid Resistant Nephrotic Syndrome, Type 2 (example, PMID: 14675423, 23515051). Therefore, ACMG PS1 criteria - same amino acid change as a previously established pathogenic variant regardless of nucleotide change has been engaged in this ascertainment. These data indicate that the variant is very likely to be associated with disease. To our knowledge, no experimental evidence demonstrating an impact on protein function has been reported. Two clinical diagnostic laboratories have submitted clinical-significance assessments for this variant to ClinVar after 2014 without evidence for independent evaluation. All laboratories classified the variant as likely pathogenic. Based on the evidence outlined above, the variant was classified as pathogenic.

Labcorp Genetics (formerly Invitae), Labcorp
Classification: Likely pathogenic. Last evaluated: 2019-10-26. Review status: criteria provided, single submitter. Criteria: Invitae Variant Classification Sherloc (09022015). Collection method: clinical testing. Allele origin: germline.
Comment: This variant has not been reported in the literature in individuals with NPHS2-related conditions. This variant is not present in population databases (ExAC no frequency). This sequence change replaces arginine with serine at codon 238 of the NPHS2 protein (p.Arg238Ser). The arginine residue is highly conserved and there is a moderate physicochemical difference between arginine and serine. Algorithms developed to predict the effect of missense changes on protein structure and function (SIFT, PolyPhen-2, Align-GVGD) all suggest that this variant is likely to be disruptive, but these predictions have not been confirmed by published functional studies and their clinical significance is uncertain. In summary, the currently available evidence indicates that the variant is pathogenic, but additional data are needed to prove that conclusively. Therefore, this variant has been classified as Likely Pathogenic. A different variant (c.714G>T (p.R238S)) giving rise to the same protein effect observed here (p.Arg238Ser) has been determined to be pathogenic (PMID: 15253708, 15264208, 16810518,23515051, 24072147). This suggests that this variant is also likely to be causative of disease.

Natera, Inc.
Classification: Likely pathogenic for Steroid-resistant nephrotic syndrome. Last evaluated: 2021-05-20. Review status: no assertion criteria provided. Collection method: clinical testing. Allele origin: germline. Not counted in ClinVar's aggregate classification.

Literature cited by the submitters: PubMed 14675423 (cited by Women's Health and Genetics/Laboratory Corporation of America, LabCorp); PubMed 23515051 (cited by Women's Health and Genetics/Laboratory Corporation of America, LabCorp and Labcorp Genetics (formerly Invitae), Labcorp); PubMed 15496146 (cited by Women's Health and Genetics/Laboratory Corporation of America, LabCorp); PubMed 30013592 (cited by Women's Health and Genetics/Laboratory Corporation of America, LabCorp); PubMed 29382718 (cited by Women's Health and Genetics/Laboratory Corporation of America, LabCorp); PubMed 29660491 (cited by Women's Health and Genetics/Laboratory Corporation of America, LabCorp); PubMed 15253708 (cited by Labcorp Genetics (formerly Invitae), Labcorp); PubMed 15264208 (cited by Labcorp Genetics (formerly Invitae), Labcorp); PubMed 16810518 (cited by Labcorp Genetics (formerly Invitae), Labcorp); PubMed 24072147 (cited by Labcorp Genetics (formerly Invitae), Labcorp).

NM_014625.4(NPHS2):c.714G>C (p.Arg238Ser)

Gene: NPHS2 (NPHS2 stomatin family member, podocin; minus strand). Cytogenetic location: 1q25.2.
Variant type: single nucleotide variant.
Coding change: c.714G>C on transcript NM_014625.4 (MANE Select); coding-DNA position 714, G replaced by C.
Protein change: p.Arg238Ser; replaces arginine 238 with serine.
Molecular consequence: missense variant. On other transcripts: intron variant (1).
Genome position (GRCh38, 1-based): chr1:179,557,051, C>G on the plus strand (G>C on the coding strand, the complement: NPHS2 is on the minus strand). VCF-style: chr1-179557051-C-G. GRCh37 (hg19) VCF-style: chr1-179526186-C-G.
Other names: c.535-2520G>C (NM_001297575.2); short protein forms R238S.
Identifiers: ClinVar variation 972638 (VCV000972638.11), dbSNP rs748812981, ClinGen allele CA343567487.